The following is an entry in ClinVar:

ClinVar aggregate classification (germline): Pathogenic. Review status: criteria provided, multiple submitters, no conflicts (2 of 4 stars). 3 submissions from 3 submitters: Pathogenic (3). Last evaluated 2026-09-02.

Conditions:
Hereditary cancer-predisposing syndrome. Also called: Neoplastic Syndromes, Hereditary; Hereditary Cancer Syndrome; Tumor predisposition; Hereditary neoplastic syndrome. Identifiers: Orphanet 140162, MedGen C0027672, MeSH D009386, MONDO:0015356.
Hereditary breast ovarian cancer syndrome. Also called: Hereditary breast and/or ovarian cancer syndrome; Hereditary breast and ovarian cancer syndrome (HBOC); Hereditary breast and ovarian cancer; Hereditary breast and ovarian cancer syndrome; Breast and ovarian cancer; BRCA1- and BRCA2-Associated Hereditary Breast and Ovarian Cancer. Identifiers: Orphanet 145, MedGen C0677776, MeSH D061325, MONDO:0003582. Disease mechanism: loss of function.
Familial cancer of breast. Also called: Hereditary breast cancer; BREAST CANCER, FAMILIAL; hereditary breast carcinoma. Identifiers: Orphanet 227535, MedGen C0346153, MONDO:0016419, OMIM 114480. Disease mechanism: loss of function.

Submissions (3):

Ambry Genetics
Classification: Pathogenic for Hereditary cancer-predisposing syndrome. Last evaluated: 2026-09-02. Review status: criteria provided, single submitter. Criteria: Ambry Variant Classification Scheme 2023. Collection method: clinical testing. Allele origin: germline.
Comment: The c.4675+1G>T intronic pathogenic mutation results from a G to T substitution one nucleotide after coding exon 13 of the BRCA1 gene. Other variant(s) impacting the same donor site (c.4675+1G>A, c.4675+2T>C) have been shown to have a similar impact on splicing in individual(s) with features consistent with BRCA1-related cancer predisposition (Adem C et al. Cancer 2003;97:1-11, Zhang S et al. Gynecol. Oncol. 2011;121:353-7, Whiley PJ et al. Hum. Mutat. 2011;32:678-8; Rebbeck TR et al. Hum. Mutat., 2018 05;39:593-620). This variant is considered to be rare based on population cohorts in the Genome Aggregation Database (gnomAD). This nucleotide position is highly conserved in available vertebrate species. In silico splice site analysis predicts that this alteration will weaken the native splice donor site and will result in the creation or strengthening of a novel splice donor site. Variants that disrupt the canonical splice site are expected to cause aberrant splicing, resulting in an abnormal protein or a transcript that is subject to nonsense-mediated mRNA decay. As such, this variant is classified as a disease-causing mutation.

Labcorp Genetics (formerly Invitae), Labcorp
Classification: Pathogenic for Hereditary breast ovarian cancer syndrome. Last evaluated: 2024-09-18. Review status: criteria provided, single submitter. Criteria: Invitae Variant Classification Sherloc (09022015). Collection method: clinical testing. Allele origin: germline.
Comment: This sequence change affects a donor splice site in intron 14 of the BRCA1 gene. RNA analysis indicates that disruption of this splice site induces altered splicing and may result in an absent or altered protein product. This variant is not present in population databases (gnomAD no frequency). Disruption of this splice site has been observed in individual(s) with breast or ovarian cancer (PMID: 12491499, 23767878, 24884479). ClinVar contains an entry for this variant (Variation ID: 185411). Studies have shown that disruption of this splice site results in skipping of exon 14 (also known as exon 15 in the literature), and produces a non-functional protein and/or introduces a premature termination codon (PMID: 18489799, 21394826; internal data). For these reasons, this variant has been classified as Pathogenic.

Mendelics
Classification: Pathogenic for Familial cancer of breast. Last evaluated: 2022-05-04. Review status: criteria provided, single submitter. Criteria: Mendelics Assertion Criteria 2019. Collection method: clinical testing. Allele origin: germline.

Literature cited by the submitters: PubMed 12491499 (cited by Labcorp Genetics (formerly Invitae), Labcorp); PubMed 23767878 (cited by Labcorp Genetics (formerly Invitae), Labcorp); PubMed 24884479 (cited by Labcorp Genetics (formerly Invitae), Labcorp); PubMed 18489799 (cited by Labcorp Genetics (formerly Invitae), Labcorp); PubMed 21394826 (cited by Labcorp Genetics (formerly Invitae), Labcorp).

NM_007294.4(BRCA1):c.4675+1G>T

Gene: BRCA1 (BRCA1 DNA repair associated; minus strand). Cytogenetic location: 17q21.31.
Variant type: single nucleotide variant.
Coding change: c.4675+1G>T on transcript NM_007294.4 (MANE Select); the canonical splice donor site of the intron after coding-DNA position 4675, G replaced by T.
Molecular consequence: splice donor variant. On other transcripts: intron variant (3).
Genome position (GRCh38, 1-based): chr17:43,074,330, C>A on the plus strand (G>T on the coding strand, the complement: BRCA1 is on the minus strand). VCF-style: chr17-43074330-C-A. GRCh37 (hg19) VCF-style: chr17-41226347-C-A.
Other names: c.1222+1G>T (NM_001408458.1, NM_001408461.1, NM_001408464.1 and 7 more transcripts); c.3784+1G>T (NM_001407967.1); c.4294+1G>T (NM_001407959.1); c.4408+1G>T (NM_001407931.1, NM_001407932.1, NM_001407928.1 and 4 more transcripts); c.4531+1G>T (NM_001407747.1, NM_001407745.1, NM_001407737.1 and 21 more transcripts); c.4291+1G>T (NM_001407962.1, NM_001407960.1); c.862+1G>T (NM_001408512.1); c.985+1G>T (NM_001408510.1); and 71 more.
Identifiers: ClinVar variation 185411 (VCV000185411.17), dbSNP rs80358044, ClinGen allele CA002958.